The following is an entry in ClinVar:

NM_001375405.1(CEP120):c.286G>A (p.Val96Ile)

Gene: CEP120 (centrosomal protein 120; minus strand). Cytogenetic location: 5q23.2.
Variant type: single nucleotide variant.
Coding change: c.286G>A on transcript NM_001375405.1 (MANE Select); coding-DNA position 286, G replaced by A.
Protein change: p.Val96Ile; replaces valine 96 with isoleucine.
Molecular consequence: missense variant. On other transcripts: 5 prime UTR variant (2), non-coding transcript variant (1).
Genome position (GRCh38, 1-based): chr5:123,416,045, C>T on the plus strand (G>A on the coding strand, the complement: CEP120 is on the minus strand). VCF-style: chr5-123416045-C-T. GRCh37 (hg19) VCF-style: chr5-122751739-C-T.
Other names: c.208G>A, p.Val70Ile (NM_001166226.2); c.286G>A, p.Val96Ile (NM_001375406.1, NM_001375407.1, NM_153223.4); c.-463G>A (NM_001375408.1); c.-405G>A (NM_001375409.1); short protein forms V70I, V96I.
Identifiers: ClinVar variation 2153663 (VCV002153663.2), dbSNP rs778872126, ClinGen allele CA3387294.

ClinVar aggregate classification (germline): Uncertain significance (1 of 4 stars; one submission).

Conditions:
Short-rib thoracic dysplasia 13 with or without polydactyly (SRTD13). Identifiers: Orphanet 474, MedGen C4225378, MONDO:0014577, OMIM 616300.

Allele frequency attached by ClinVar (database versions not stated): gnomAD exomes below 0.00001; gnomAD 0.00001; ExAC 0.00002; TOPMed 0.00002.
gnomAD v4.1: 6 of 1,613,824 alleles (0.00037%); highest among the groups gnomAD compares: Middle Eastern, 0.016%; no homozygotes.

Submission:

Labcorp Genetics (formerly Invitae), Labcorp
Classification: Uncertain significance for Short-rib thoracic dysplasia 13 with or without polydactyly. Last evaluated: 2022-03-27. Review status: criteria provided, single submitter. Criteria: Invitae Variant Classification Sherloc (09022015). Collection method: clinical testing. Allele origin: germline.
Comment: In summary, the available evidence is currently insufficient to determine the role of this variant in disease. Therefore, it has been classified as a Variant of Uncertain Significance. Algorithms developed to predict the effect of missense changes on protein structure and function output the following: SIFT: "Tolerated"; PolyPhen-2: "Benign"; Align-GVGD: "Class C0". The isoleucine amino acid residue is found in multiple mammalian species, which suggests that this missense change does not adversely affect protein function. This variant has not been reported in the literature in individuals affected with CEP120-related conditions. This variant is present in population databases (rs778872126, gnomAD 0.006%). This sequence change replaces valine, which is neutral and non-polar, with isoleucine, which is neutral and non-polar, at codon 96 of the CEP120 protein (p.Val96Ile).